The following is an entry in ClinVar:

NM_000064.4(C3):c.1976A>T (p.Glu659Val)

Gene: C3 (complement C3; minus strand). Cytogenetic location: 19p13.3.
Variant type: single nucleotide variant.
Coding change: c.1976A>T on transcript NM_000064.4 (MANE Select); coding-DNA position 1976, A replaced by T.
Protein change: p.Glu659Val; replaces glutamic acid 659 with valine.
Molecular consequence: missense variant.
Genome position (GRCh38, 1-based): chr19:6,707,537, T>A on the plus strand (A>T on the coding strand, the complement: C3 is on the minus strand). VCF-style: chr19-6707537-T-A. GRCh37 (hg19) VCF-style: chr19-6707548-T-A.
Other names: short protein forms E659V.
Identifiers: ClinVar variation 2122712 (VCV002122712.4), dbSNP rs1430883857, ClinGen allele CA403637876.

ClinVar aggregate classification (germline): Uncertain significance (1 of 4 stars; one submission).

Allele frequency attached by ClinVar (database versions not stated): gnomAD exomes below 0.00001.

Submission:

Labcorp Genetics (formerly Invitae), Labcorp
Classification: Uncertain significance. Last evaluated: 2022-11-01. Review status: criteria provided, single submitter. Criteria: Invitae Variant Classification Sherloc (09022015). Collection method: clinical testing. Allele origin: germline.
Comment: Algorithms developed to predict the effect of missense changes on protein structure and function (SIFT, PolyPhen-2, Align-GVGD) all suggest that this variant is likely to be tolerated. In summary, the available evidence is currently insufficient to determine the role of this variant in disease. Therefore, it has been classified as a Variant of Uncertain Significance. This variant has not been reported in the literature in individuals affected with C3-related conditions. This sequence change replaces glutamic acid, which is acidic and polar, with valine, which is neutral and non-polar, at codon 659 of the C3 protein (p.Glu659Val). This variant is present in population databases (no rsID available, gnomAD 0.006%).